The following is an entry in ClinVar:

NM_001040108.2(MLH3):c.2673G>A (p.Gly891=)

Gene: MLH3 (mutL homolog 3; minus strand). Cytogenetic location: 14q24.3.
Variant type: single nucleotide variant.
Coding change: c.2673G>A on transcript NM_001040108.2 (MANE Select); coding-DNA position 2673, G replaced by A.
Protein change: p.Gly891=; no amino-acid change (glycine 891 retained).
Molecular consequence: synonymous variant.
Genome position (GRCh38, 1-based): chr14:75,046,983, C>T on the plus strand (G>A on the coding strand, the complement: MLH3 is on the minus strand). VCF-style: chr14-75046983-C-T. GRCh37 (hg19) VCF-style: chr14-75513686-C-T.
Other names: c.2673G>A, p.Gly891= (NM_014381.3).
Identifiers: ClinVar variation 1794580 (VCV001794580.7), dbSNP rs749302533, ClinGen allele CA263648093.

ClinVar aggregate classification (germline): Likely benign. Review status: criteria provided, multiple submitters, no conflicts (2 of 4 stars). 3 submissions from 3 submitters: Likely benign (2). 1 of the submissions does not count toward it. Last evaluated 2023-09-10.

Conditions:
MLH3-related disorder. Also called: MLH3-related condition.
Colorectal cancer, hereditary nonpolyposis, type 7. Identifiers: Orphanet 144, MedGen C1858380, MONDO:0013725, OMIM 614385.

gnomAD v4.1: 3 of 1,614,142 alleles (0.00019%); highest among the groups gnomAD compares: African/African-American, 0.004%; no homozygotes.

Submissions (3):

Labcorp Genetics (formerly Invitae), Labcorp
Classification: Likely benign for Colorectal cancer, hereditary nonpolyposis, type 7. Last evaluated: 2023-09-10. Review status: criteria provided, single submitter. Criteria: Invitae Variant Classification Sherloc (09022015). Collection method: clinical testing. Allele origin: germline.

Ambry Genetics
Classification: Likely benign. Last evaluated: 2020-10-25. Review status: criteria provided, single submitter. Criteria: Ambry Variant Classification Scheme 2023. Collection method: clinical testing. Allele origin: germline.

PreventionGenetics, part of Exact Sciences
Classification: Likely benign for MLH3-related condition. Last evaluated: 2020-12-18. Review status: no assertion criteria provided. Collection method: clinical testing. Allele origin: germline. Not counted in ClinVar's aggregate classification.
Comment: This variant is classified as likely benign based on ACMG/AMP sequence variant interpretation guidelines (Richards et al. 2015 PMID: 25741868, with internal and published modifications).